The following is an entry in ClinVar:

NM_001083116.3(PRF1):c.1063C>T (p.Pro355Ser)

Gene: PRF1 (perforin 1; minus strand). Cytogenetic location: 10q22.1.
Variant type: single nucleotide variant.
Coding change: c.1063C>T on transcript NM_001083116.3 (MANE Select); coding-DNA position 1063, C replaced by T.
Protein change: p.Pro355Ser; replaces proline 355 with serine.
Molecular consequence: missense variant.
Genome position (GRCh38, 1-based): chr10:70,598,658, G>A on the plus strand (C>T on the coding strand, the complement: PRF1 is on the minus strand). VCF-style: chr10-70598658-G-A. GRCh37 (hg19) VCF-style: chr10-72358414-G-A.
Other names: c.1063C>T, p.Pro355Ser (NM_005041.6); short protein forms P355S.
Identifiers: ClinVar variation 4882478 (VCV004882478.2).

ClinVar aggregate classification (germline): Uncertain significance (1 of 4 stars; one submission).

Submission:

Dasa
Classification: Uncertain significance. Last evaluated: 2026-01-03. Review status: criteria provided, single submitter. Criteria: DASA Assertion Criteria. Collection method: clinical testing. Allele origin: germline.
Comment: NM_001083116.3(PRF1):c.1063C>T (p.Pro355Ser) is a missense variant that results in the substitution of proline with serine. The affected residue or protein region has prior evidence supporting clinical relevance. This variant is rare in population databases. The currently available literature and clinical evidence are not sufficient to establish a definitive association between this variant and the reported condition. Therefore, this variant is classified as a variant of uncertain significance.